The following is an entry in ClinVar:

ClinVar aggregate classification (germline): Uncertain significance. Review status: criteria provided, multiple submitters, no conflicts (2 of 4 stars). 2 submissions from 2 submitters: Uncertain significance (2). Last evaluated 2023-08-15.

Conditions:
Hypertrophic cardiomyopathy. Also called: HYPERTROPHIC MYOCARDIOPATHY. Identifiers: Orphanet 217569, MedGen C0007194, MeSH D002312, MONDO:0005045, HP:0001639.

gnomAD v4.1: 1 of 1,609,334 alleles (0.000062%); highest among the groups gnomAD compares: Admixed American, 0.0017%; no homozygotes.

Submissions (2):

All of Us Research Program, National Institutes of Health
Classification: Uncertain significance for Hypertrophic cardiomyopathy. Last evaluated: 2023-08-15. Review status: criteria provided, single submitter. Criteria: ACMG Guidelines, 2015. Collection method: clinical testing. Allele origin: germline. Inheritance: Autosomal dominant inheritance. Observed: 1 variant allele, 1 heterozygote.
Comment: This missense variant replaces serine with arginine at codon 50 of the MYBPC3 protein. Computational prediction suggests that this variant may not impact protein structure and function (internally defined REVEL score threshold <= 0.5, PMID: 27666373). To our knowledge, functional studies have not been reported for this variant. This variant has not been reported in individuals affected with MYBPC3-related disorders in the literature. This variant has not been identified in the general population by the Genome Aggregation Database (gnomAD). The available evidence is insufficient to determine the role of this variant in disease conclusively. Therefore, this variant is classified as a Variant of Uncertain Significance.

This study involves interpretation of variants in research participants for the purpose of population health screening. Participant phenotype was not available at the time of variant classification. Additional details can be found in publication PMID: 35346344, PMCID: PMC8962531

GeneDx
Classification: Uncertain significance. Last evaluated: 2019-07-03. Review status: criteria provided, single submitter. Criteria: GeneDx Variant Classification Process June 2021. Collection method: clinical testing. Allele origin: germline. Affected: yes.
Comment: Not observed in large population cohorts (Lek et al., 2016); In silico analysis, which includes protein predictors and evolutionary conservation, supports that this variant does not alter protein structure/function; This variant is associated with the following publications: (PMID: 26383259)

NM_000256.3(MYBPC3):c.148A>C (p.Ser50Arg)

Gene: MYBPC3 (myosin binding protein C3; minus strand). Cytogenetic location: 11p11.2.
Variant type: single nucleotide variant.
Coding change: c.148A>C on transcript NM_000256.3 (MANE Select); coding-DNA position 148, A replaced by C.
Protein change: p.Ser50Arg; replaces serine 50 with arginine.
Molecular consequence: missense variant.
Genome position (GRCh38, 1-based): chr11:47,351,383, T>G on the plus strand (A>C on the coding strand, the complement: MYBPC3 is on the minus strand). VCF-style: chr11-47351383-T-G. GRCh37 (hg19) VCF-style: chr11-47372934-T-G.
Other names: short protein forms S50R.
Identifiers: ClinVar variation 1306909 (VCV001306909.3), dbSNP rs373164247, ClinGen allele CA380341833.